The following is an entry in ClinVar:

ClinVar aggregate classification (germline): Conflicting classifications of pathogenicity. Review status: criteria provided, conflicting classifications (1 of 4 stars). 3 submissions from 3 submitters: Uncertain significance (2); Likely benign (1). Last evaluated 2025-02-11.

Conditions:
USH1C-related disorder. Also called: USH1C-related condition.

Allele frequency attached by ClinVar (database versions not stated): gnomAD 0.00001; gnomAD exomes 0.00003 and 0.00007; TOPMed 0.00003; ExAC 0.00005; ESP Exome Variant Server 0.00015.
gnomAD v4.1: 104 of 1,595,788 alleles (0.0065%); highest among the groups gnomAD compares: East Asian, 0.011%; no homozygotes.

Submissions (3):

PreventionGenetics, part of Exact Sciences
Classification: Uncertain significance for USH1C-related condition. Last evaluated: 2025-02-11. Review status: criteria provided, single submitter. Criteria: ACMG Guidelines, 2015. Collection method: clinical testing. Allele origin: germline.
Comment: The USH1C c.1547C>T variant is predicted to result in the amino acid substitution p.Pro516Leu. To our knowledge, this variant has not been reported in the literature. This variant is reported in 0.017% of alleles in individuals of East Asian descent in gnomAD. At this time, the clinical significance of this variant is uncertain due to the absence of conclusive functional and genetic evidence.

Blueprint Genetics
Classification: Uncertain significance. Last evaluated: 2019-08-05. Review status: criteria provided, single submitter. Criteria: ACMG Guidelines, 2015. Collection method: clinical testing. Allele origin: germline.

Labcorp Genetics (formerly Invitae), Labcorp
Classification: Likely benign. Last evaluated: 2018-11-16. Review status: criteria provided, single submitter. Criteria: Invitae Variant Classification Sherloc (09022015). Collection method: clinical testing. Allele origin: germline.

NM_153676.4(USH1C):c.1547C>T (p.Pro516Leu)

Gene: USH1C (USH1 protein network component harmonin; minus strand). Cytogenetic location: 11p15.1.
Variant type: single nucleotide variant.
Coding change: c.1547C>T on transcript NM_153676.4 (MANE Select); coding-DNA position 1547, C replaced by T.
Protein change: p.Pro516Leu; replaces proline 516 with leucine.
Molecular consequence: missense variant. On other transcripts: intron variant (2).
Genome position (GRCh38, 1-based): chr11:17,509,822, G>A on the plus strand (C>T on the coding strand, the complement: USH1C is on the minus strand). VCF-style: chr11-17509822-G-A. GRCh37 (hg19) VCF-style: chr11-17531369-G-A.
Other names: c.1547C>T (NM_153676.3); c.1227+7579C>T (NM_001297764.2); c.1284+7579C>T (NM_005709.4); short protein forms P516L.
Identifiers: ClinVar variation 795529 (VCV000795529.10), dbSNP rs201870537, ClinGen allele CA5904508.